The following is an entry in ClinVar:

NM_001366385.1(CARD14):c.1135C>G (p.Leu379Val)

Gene: CARD14 (caspase recruitment domain family member 14; plus strand). Cytogenetic location: 17q25.3.
Variant type: single nucleotide variant.
Coding change: c.1135C>G on transcript NM_001366385.1 (MANE Select); coding-DNA position 1135, C replaced by G.
Protein change: p.Leu379Val; replaces leucine 379 with valine.
Molecular consequence: missense variant. On other transcripts: non-coding transcript variant (1).
Genome position (GRCh38, 1-based): chr17:80,191,368, C>G. VCF-style: chr17-80191368-C-G. GRCh37 (hg19) VCF-style: chr17-78165167-C-G.
Other names: c.1135C>G, p.Leu379Val (NM_001257970.1, NM_024110.4); c.424C>G, p.Leu142Val (NM_052819.3); short protein forms L142V, L379V.
Identifiers: ClinVar variation 4783644 (VCV004783644.1).
Genomic context (GRCh38, chr17:80,191,368, plus strand): 5'-CGTCGTGGCCCACAGGCGTACTCCGCGAGGGACAGTGCTCAGAGGGAGATTTCCCAGAGC[C>G]TGGTGGAGAAGGACTCCCTCCGCAGGCAGGTGTTCGAGCTGACGGACCAGGTCTGCGAGC-3'
Protein context (NP_001353314.1, residues 369-389): DSAQREISQS[Leu379Val]VEKDSLRRQV

ClinVar aggregate classification (germline): Uncertain significance (1 of 4 stars; one submission).

Conditions:
Psoriasis 2. Identifiers: MedGen C1864497, MONDO:0011269, OMIM 602723.
Pityriasis rubra pilaris (PRP). Also called: Pityriasis rubra pilaris--familial type. Identifiers: Orphanet 2897, MedGen C0032027, MONDO:0100017, OMIM 173200, MONDO:0008251.

gnomAD v4.1: 1 of 1,613,788 alleles (0.000062%); highest among the groups gnomAD compares: Non-Finnish European, 0.000085%; no homozygotes.

Submission:

Labcorp Genetics (formerly Invitae), Labcorp
Classification: Uncertain significance for Pityriasis rubra pilaris; Psoriasis 2. Last evaluated: 2025-11-21. Review status: criteria provided, single submitter. Criteria: Invitae Variant Classification Sherloc (09022015). Collection method: clinical testing. Allele origin: germline.
Comment: This sequence change replaces leucine, which is neutral and non-polar, with valine, which is neutral and non-polar, at codon 379 of the CARD14 protein (p.Leu379Val). This variant is not present in population databases (gnomAD no frequency). This variant has not been reported in the literature in individuals affected with CARD14-related conditions. Invitae Evidence Modeling of protein sequence and biophysical properties (such as structural, functional, and spatial information, amino acid conservation, physicochemical variation, residue mobility, and thermodynamic stability) has been performed for this missense variant. However, the output from this modeling did not meet the statistical confidence thresholds required to predict the impact of this variant on CARD14 protein function. In summary, the available evidence is currently insufficient to determine the role of this variant in disease. Therefore, it has been classified as a Variant of Uncertain Significance.